The following is an entry in ClinVar:

NM_001042492.3(NF1):c.1058T>C (p.Leu353Pro)

Gene: NF1 (neurofibromin 1; plus strand). Cytogenetic location: 17q11.2.
Variant type: single nucleotide variant.
Coding change: c.1058T>C on transcript NM_001042492.3 (MANE Select); coding-DNA position 1058, T replaced by C.
Protein change: p.Leu353Pro; replaces leucine 353 with proline.
Molecular consequence: missense variant.
Genome position (GRCh38, 1-based): chr17:31,200,591, T>C. VCF-style: chr17-31200591-T-C. GRCh37 (hg19) VCF-style: chr17-29527609-T-C.
Other names: c.1058T>C, p.Leu353Pro (NM_000267.4, NM_001128147.3); short protein forms L353P.
Identifiers: ClinVar variation 940935 (VCV000940935.6), dbSNP rs2066510063, ClinGen allele CA398996542.

ClinVar aggregate classification (germline): Uncertain significance (1 of 4 stars; one submission).

Conditions:
Neurofibromatosis, type 1 (NF1). Also called: Peripheral type neurofibromatosis; VON RECKLINGHAUSEN DISEASE; Neurofibromatosis, type I; NEUROFIBROMATOSIS, TYPE I, SOMATIC. Identifiers: Orphanet 636, MedGen C0027831, MONDO:0018975, OMIM 162200. Disease mechanism: loss of function.

Submission:

Labcorp Genetics (formerly Invitae), Labcorp
Classification: Uncertain significance for Neurofibromatosis, type 1. Last evaluated: 2020-05-27. Review status: criteria provided, single submitter. Criteria: Invitae Variant Classification Sherloc (09022015). Collection method: clinical testing. Allele origin: germline.
Comment: In summary, the available evidence is currently insufficient to determine the role of this variant in disease. Therefore, it has been classified as a Variant of Uncertain Significance. This sequence change replaces leucine with proline at codon 353 of the NF1 protein (p.Leu353Pro). The leucine residue is highly conserved and there is a moderate physicochemical difference between leucine and proline. This variant is not present in population databases (ExAC no frequency). Algorithms developed to predict the effect of missense changes on protein structure and function are either unavailable or do not agree on the potential impact of this missense change (SIFT: "Tolerated"; PolyPhen-2: "Probably Damaging"; Align-GVGD: "Class C0"). This variant has not been reported in the literature in individuals with NF1-related conditions.